The following is an entry in ClinVar:

NM_000057.4(BLM):c.715G>C (p.Asp239His)

Gene: BLM (BLM RecQ like helicase; plus strand). Cytogenetic location: 15q26.1.
Variant type: single nucleotide variant.
Coding change: c.715G>C on transcript NM_000057.4 (MANE Select); coding-DNA position 715, G replaced by C.
Protein change: p.Asp239His; replaces aspartic acid 239 with histidine.
Molecular consequence: missense variant. On other transcripts: 5 prime UTR variant (1).
Genome position (GRCh38, 1-based): chr15:90,749,983, G>C. VCF-style: chr15-90749983-G-C. GRCh37 (hg19) VCF-style: chr15-91293213-G-C.
Other names: c.715G>C, p.Asp239His (NM_001287246.2, NM_001287247.2); c.-577G>C (NM_001287248.2); short protein forms D239H.
Identifiers: ClinVar variation 454163 (VCV000454163.15), dbSNP rs200756519, ClinGen allele CA7738333.

ClinVar aggregate classification (germline): Uncertain significance. Review status: criteria provided, multiple submitters, no conflicts (2 of 4 stars). 4 submissions from 4 submitters: Uncertain significance (3). 1 of the submissions does not count toward it. Last evaluated 2026-02-01.

Conditions:
Hereditary cancer-predisposing syndrome. Also called: Hereditary Cancer Syndrome; Hereditary neoplastic syndrome; Neoplastic Syndromes, Hereditary; Tumor predisposition. Identifiers: Orphanet 140162, MedGen C0027672, MeSH D009386, MONDO:0015356.
Hereditary breast ovarian cancer syndrome. Also called: Hereditary breast and ovarian cancer syndrome; BRCA1- and BRCA2-Associated Hereditary Breast and Ovarian Cancer; Breast and ovarian cancer; Hereditary breast and ovarian cancer; Hereditary breast and ovarian cancer syndrome (HBOC); Hereditary breast and/or ovarian cancer syndrome. Identifiers: Orphanet 145, MedGen C0677776, MeSH D061325, MONDO:0003582. Disease mechanism: loss of function.
Bloom syndrome (BLM). Also called: Bloom-Torre-Machacek syndrome. Identifiers: Orphanet 125, MedGen C0005859, MONDO:0008876, OMIM 210900.

Allele frequency attached by ClinVar (database versions not stated): TOPMed 0.00002; 1000 Genomes Project 30x 0.00016; 1000 Genomes Project 0.00020.
gnomAD v4.1: 77 of 1,614,202 alleles (0.0048%); highest among the groups gnomAD compares: East Asian, 0.17%; no homozygotes.

Submissions (4):

Labcorp Genetics (formerly Invitae), Labcorp
Classification: Uncertain significance for Bloom syndrome. Last evaluated: 2026-02-01. Review status: criteria provided, single submitter. Criteria: Invitae Variant Classification Sherloc (09022015). Collection method: clinical testing. Allele origin: germline.
Comment: This sequence change replaces aspartic acid, which is acidic and polar, with histidine, which is basic and polar, at codon 239 of the BLM protein (p.Asp239His). This variant is present in population databases (rs200756519, gnomAD 0.02%). This variant has not been reported in the literature in individuals affected with BLM-related conditions. ClinVar contains an entry for this variant (Variation ID: 454163). An algorithm developed to predict the effect of missense changes on protein structure and function (PolyPhen-2) suggests that this variant is likely to be disruptive. In summary, the available evidence is currently insufficient to determine the role of this variant in disease. Therefore, it has been classified as a Variant of Uncertain Significance.

Ambry Genetics
Classification: Uncertain significance for Hereditary cancer-predisposing syndrome. Last evaluated: 2024-01-11. Review status: criteria provided, single submitter. Criteria: Ambry Variant Classification Scheme 2023. Collection method: clinical testing. Allele origin: germline.
Comment: The p.D239H variant (also known as c.715G>C), located in coding exon 2 of the BLM gene, results from a G to C substitution at nucleotide position 715. The aspartic acid at codon 239 is replaced by histidine, an amino acid with similar properties. This amino acid position is well conserved in available vertebrate species. In addition, this alteration is predicted to be tolerated by in silico analysis. Since supporting evidence is limited at this time, the clinical significance of this alteration remains unclear.

Cancer Genomics Group, Japanese Foundation For Cancer Research
Classification: Uncertain significance for Hereditary breast and ovarian cancer syndrome. Last evaluated: 2019-05-01. Review status: criteria provided, single submitter. Criteria: ACMG Guidelines, 2015. Collection method: research. Allele origin: germline. Affected: yes.

Natera, Inc.
Classification: Uncertain significance for Bloom syndrome. Last evaluated: 2020-04-23. Review status: no assertion criteria provided. Collection method: clinical testing. Allele origin: germline. Not counted in ClinVar's aggregate classification.

Literature cited by the submitters: PubMed 28944238 (cited by Ambry Genetics).